The following is an entry in ClinVar:

NM_053025.4(MYLK):c.703G>A (p.Val235Met)

Gene: MYLK (myosin light chain kinase; minus strand). Cytogenetic location: 3q21.1.
Variant type: single nucleotide variant.
Coding change: c.703G>A on transcript NM_053025.4 (MANE Select); coding-DNA position 703, G replaced by A.
Protein change: p.Val235Met; replaces valine 235 with methionine.
Molecular consequence: missense variant.
Genome position (GRCh38, 1-based): chr3:123,737,429, C>T on the plus strand (G>A on the coding strand, the complement: MYLK is on the minus strand). VCF-style: chr3-123737429-C-T. GRCh37 (hg19) VCF-style: chr3-123456276-C-T.
Other names: c.175G>A, p.Val59Met (NM_001321309.2); c.703G>A, p.Val235Met (NM_053026.4, NM_053027.4, NM_053028.4); short protein forms V235M, V59M.
Identifiers: ClinVar variation 3228929 (VCV003228929.1), dbSNP rs1576794660, ClinGen allele CA075516.

ClinVar aggregate classification (germline): Uncertain significance (1 of 4 stars; one submission).

Conditions:
Familial thoracic aortic aneurysm and aortic dissection (TAAD). Also called: Thoracic aortic aneurysms and dissections. Identifiers: Orphanet 91387, MedGen C4707243, MONDO:0019625.

gnomAD v4.1: 1 of 1,614,198 alleles (0.000062%); highest among the groups gnomAD compares: Non-Finnish European, 0.000085%; no homozygotes.

Submission:

Ambry Genetics
Classification: Uncertain significance for Familial thoracic aortic aneurysm and aortic dissection. Last evaluated: 2024-01-03. Review status: criteria provided, single submitter. Criteria: Ambry Variant Classification Scheme 2023. Collection method: clinical testing. Allele origin: germline.
Comment: The p.V235M variant (also known as c.703G>A), located in coding exon 5 of the MYLK gene, results from a G to A substitution at nucleotide position 703. The valine at codon 235 is replaced by methionine, an amino acid with highly similar properties. This amino acid position is conserved. In addition, the in silico prediction for this alteration is inconclusive. Since supporting evidence is limited at this time, the clinical significance of this alteration remains unclear.